The following is an entry in ClinVar:

ClinVar aggregate classification (germline): Pathogenic (1 of 4 stars; one submission).

Conditions:
Neuronopathy, distal hereditary motor, autosomal recessive 4. Also called: NEUROPATHY, DISTAL HEREDITARY MOTOR, AUTOSOMAL RECESSIVE 4; Autosomal recessive lower motor neuron disease with childhood onset. Identifiers: Orphanet 206580, MedGen C1970211, MONDO:0012608, OMIM 611067.
Charcot-Marie-Tooth disease recessive intermediate C. Also called: CHARCOT-MARIE-TOOTH NEUROPATHY, RECESSIVE INTERMEDIATE C. Identifiers: Orphanet 369867, MedGen C3809309, MONDO:0014154, OMIM 615376.

Allele frequency attached by ClinVar (database versions not stated): TOPMed below 0.00001; gnomAD 0.00001.

Submission:

Labcorp Genetics (formerly Invitae), Labcorp
Classification: Pathogenic for Neuronopathy, distal hereditary motor, autosomal recessive 4; Charcot-Marie-Tooth disease recessive intermediate C. Last evaluated: 2024-08-21. Review status: criteria provided, single submitter. Criteria: Invitae Variant Classification Sherloc (09022015). Collection method: clinical testing. Allele origin: germline.
Comment: This sequence change creates a premature translational stop signal (p.Gln486Profs*160) in the PLEKHG5 gene. It is expected to result in an absent or disrupted protein product. Loss-of-function variants in PLEKHG5 are known to be pathogenic (PMID: 17564964, 23777631). This variant is not present in population databases (gnomAD no frequency). This variant has not been reported in the literature in individuals affected with PLEKHG5-related conditions. ClinVar contains an entry for this variant (Variation ID: 1424950). For these reasons, this variant has been classified as Pathogenic.

Literature cited by the submitters: PubMed 17564964; PubMed 23777631.

NM_020631.6(PLEKHG5):c.1457_1482del (p.Gln486fs)

Gene: PLEKHG5 (pleckstrin homology and RhoGEF domain containing G5; minus strand). Cytogenetic location: 1p36.31.
Variant type: Deletion.
Coding change: c.1457_1482del on transcript NM_020631.6 (MANE Select); coding-DNA positions 1457 to 1482, 26 bases deleted (AGCGGCTCACCAAGTACCCGCTGCTG).
Protein change: p.Gln486fs; shifts the reading frame from glutamine 486.
Molecular consequence: frameshift variant.
Genome position (GRCh38, 1-based): chr1:6,470,795-6,470,820, CAGCAGCGGGTACTTGGTGAGCCGCT deleted on the plus strand (AGCGGCTCACCAAGTACCCGCTGCTG on the coding strand, the reverse complement: PLEKHG5 is on the minus strand). VCF-style (leftmost placement, unchanged base first): chr1-6470794-GCAGCAGCGGGTACTTGGTGAGCCGCT-G. GRCh37 (hg19) VCF-style: chr1-6530854-GCAGCAGCGGGTACTTGGTGAGCCGCT-G.
Other names: c.1568_1593del, p.Gln523fs (NM_001042663.3, NM_001265592.2); c.1457_1482del26, p.Gln486Profs (NM_001042664.2, NM_001042665.2, NM_001265594.3); c.1664_1689del26, p.Gln555Profs (NM_001265593.2); c.1457_1482del, p.Gln486fs (NM_198681.4); short protein forms Q486fs, Q523fs, Q555fs.
Identifiers: ClinVar variation 1424950 (VCV001424950.6), dbSNP rs1266507622, ClinGen allele CA737849907.